The following is an entry in ClinVar:

NM_000182.5(HADHA):c.1690-13G>A

Genes: GAREM2 (GRB2 associated regulator of MAPK1 subtype 2; plus strand), HADHA (hydroxyacyl-CoA dehydrogenase trifunctional multienzyme complex subunit alpha; minus strand). Cytogenetic location: 2p23.3.
Variant type: single nucleotide variant.
Coding change: c.1690-13G>A on transcript NM_000182.5 (MANE Select); 13 bases into the intron before coding-DNA position 1690, G replaced by A.
Molecular consequence: intron variant.
Genome position (GRCh38, 1-based): chr2:26,193,785, C>T on the plus strand (G>A on the coding strand, the complement: HADHA is on the minus strand). VCF-style: chr2-26193785-C-T. GRCh37 (hg19) VCF-style: chr2-26416654-C-T.
Identifiers: ClinVar variation 335378 (VCV000335378.13), dbSNP rs368557552, ClinGen allele CA1559473.
Genomic context (GRCh38, chr2:26,193,785, plus strand): 5'-GCCAAAGCTTGTGGTCAGGGAATCCAGCTTCTTCGGGTCAACTCCTTCCTGAACAGGAAG[C>T]GATGCAGGGACCTCAGGGGAAGGGCAGCCCAAATCCCCCCAAAGGGCTCCCTGTACTGGC-3'

ClinVar aggregate classification (germline): Conflicting classifications of pathogenicity. Review status: criteria provided, conflicting classifications (1 of 4 stars). 5 submissions from 4 submitters: Uncertain significance (2); Likely benign (3). Last evaluated 2026-01-29.

Conditions:
Mitochondrial trifunctional protein deficiency. Identifiers: Orphanet 746, MedGen C1969443, MONDO:0012172.
Long chain 3-hydroxyacyl-CoA dehydrogenase deficiency. Also called: Deficiency of long-chain 3-hydroxyacyl-coenzyme A dehydrogenase; LCHAD Deficiency. Identifiers: Orphanet 5, MedGen C3711645, MONDO:0012173, OMIM 609016.

Allele frequency attached by ClinVar (database versions not stated): ESP Exome Variant Server 0.00015; ExAC 0.00018; gnomAD exomes 0.00018 and 0.00048; TOPMed 0.00025; gnomAD 0.00027 and 0.00028.
gnomAD v4.1: 740 of 1,609,060 alleles (0.046%); highest among the groups gnomAD compares: Middle Eastern, 0.066%; no homozygotes.

Submissions (5):

Labcorp Genetics (formerly Invitae), Labcorp
Classification: Likely benign for Mitochondrial trifunctional protein deficiency; Long chain 3-hydroxyacyl-CoA dehydrogenase deficiency. Last evaluated: 2026-01-29. Review status: criteria provided, single submitter. Criteria: Invitae Variant Classification Sherloc (09022015). Collection method: clinical testing. Allele origin: germline.

Blueprint Genetics
Classification: Likely benign. Last evaluated: 2023-12-22. Review status: criteria provided, single submitter. Criteria: ACMG Guidelines, 2015. Collection method: clinical testing. Allele origin: germline.

Illumina Laboratory Services, Illumina
Classification: Uncertain significance for Long chain 3-hydroxyacyl-CoA dehydrogenase deficiency. Last evaluated: 2018-01-13. Review status: criteria provided, single submitter. Criteria: ICSL Variant Classification Criteria 13 December 2019. Collection method: clinical testing. Allele origin: germline.

Illumina Laboratory Services, Illumina
Classification: Uncertain significance for Mitochondrial trifunctional protein deficiency 1. Last evaluated: 2018-01-13. Review status: criteria provided, single submitter. Criteria: ICSL Variant Classification Criteria 13 December 2019. Collection method: clinical testing. Allele origin: germline.

GeneDx
Classification: Likely benign. Last evaluated: 2017-05-15. Review status: criteria provided, single submitter. Criteria: GeneDx Variant Classification (06012015). Collection method: clinical testing. Allele origin: germline. Affected: yes.
Comment: This variant is considered likely benign or benign based on one or more of the following criteria: it is a conservative change, it occurs at a poorly conserved position in the protein, it is predicted to be benign by multiple in silico algorithms, and/or has population frequency not consistent with disease.